The following is an entry in ClinVar:

NM_001368894.2(PAX6):c.112del (p.Arg38fs)

Gene: PAX6 (paired box 6; minus strand). Cytogenetic location: 11p13.
Variant type: Deletion.
Coding change: c.112del on transcript NM_001368894.2 (MANE Select); coding-DNA position 112, one base deleted (C; older notation c.112delC).
Protein change: p.Arg38fs; shifts the reading frame from arginine 38.
Molecular consequence: frameshift variant. On other transcripts: 5 prime UTR variant (12), non-coding transcript variant (2), intron variant (2).
Genome position (GRCh38, 1-based): chr11:31,802,733, G deleted on the plus strand (C on the coding strand, the reverse complement: PAX6 is on the minus strand); the first of 3 consecutive G bases (chr11:31,802,733-31,802,735); deleting any one gives the same sequence. VCF-style (leftmost placement, unchanged base first): chr11-31802732-CG-C. GRCh37 (hg19) VCF-style: chr11-31824280-CG-C.
Other names: c.112delC (NM_000280.4); c.112del, p.Arg38fs (NM_000280.6, NM_001127612.3, NM_001258462.3 and 30 more transcripts); c.-670del (NM_001310160.2, NM_001368905.2); c.-339del (NM_001310161.3, NM_001368900.2, NM_001368903.2 and 2 more transcripts); c.-297del (NM_001368899.2, NM_001368901.2, NM_001368906.2 and 1 more transcripts); c.-628del (NM_001368902.2); c.355del, p.Arg119fs (NM_001368910.2); c.115del, p.Arg39fs (NM_001368911.2); and 1 more; short protein forms R119fs, R38fs, R39fs.
Identifiers: ClinVar variation 651977 (VCV000651977.13), dbSNP rs1592563428, ClinGen allele CA915948081.

ClinVar aggregate classification (germline): Pathogenic. Review status: criteria provided, multiple submitters, no conflicts (2 of 4 stars). 3 submissions from 3 submitters: Pathogenic (3). Last evaluated 2024-04-22.

Conditions:
Aniridia 1 (AN1). Identifiers: Orphanet 250923, MedGen C0344542, MONDO:0024507, OMIM 106210.
Irido-corneo-trabecular dysgenesis (ASGD5). Also called: ANTERIOR SEGMENT DYSGENESIS 5. Identifiers: Orphanet 708, MedGen C0344559, MONDO:0011414, OMIM 604229, HP:0000659.

Submissions (3):

GeneDx
Classification: Pathogenic. Last evaluated: 2024-04-22. Review status: criteria provided, single submitter. Criteria: GeneDx Variant Classification Process June 2021. Collection method: clinical testing. Allele origin: germline. Affected: yes.
Comment: Frameshift variant predicted to result in protein truncation or nonsense mediated decay in a gene for which loss of function is a known mechanism of disease; Not observed at significant frequency in large population cohorts (gnomAD); This variant is associated with the following publications: (PMID: 30426773, 34566401, 17568989, 20054790, 21423868, 25678763, 18241071, 36582291, 37337769, 18483559, 29217025, 21848007, 9482572, 32360764)

Labcorp Genetics (formerly Invitae), Labcorp
Classification: Pathogenic for Aniridia 1; Irido-corneo-trabecular dysgenesis. Last evaluated: 2023-10-12. Review status: criteria provided, single submitter. Criteria: Invitae Variant Classification Sherloc (09022015). Collection method: clinical testing. Allele origin: germline.
Comment: This sequence change creates a premature translational stop signal (p.Arg38Glyfs*16) in the PAX6 gene. It is expected to result in an absent or disrupted protein product. Loss-of-function variants in PAX6 are known to be pathogenic (PMID: 12634864). This variant is not present in population databases (gnomAD no frequency). This premature translational stop signal has been observed in individual(s) with aniridia and fetal anophthalmnia and brain malformations and coloboma, cataract and foveal hypoplasia (PMID: 9482572, 17568989, 18241071, 18483559, 20054790, 21423868, 21848007, 23734086, 25678763, 29217025). It has also been observed to segregate with disease in related individuals. This variant is also known as c.112del1 and c.474delC. ClinVar contains an entry for this variant (Variation ID: 651977). For these reasons, this variant has been classified as Pathogenic.

Wessex Regional Genetics Laboratory, Salisbury District Hospital
Classification: Pathogenic for Aniridia 1. Last evaluated: 2019-08-15. Review status: criteria provided, single submitter. Criteria: ACMG Guidelines, 2015. Collection method: clinical testing. Allele origin: unknown, de novo. Inheritance: Autosomal dominant inheritance. Affected: yes. Observed: 3 variant alleles.

Literature cited by the submitters: PubMed 12634864 (cited by Labcorp Genetics (formerly Invitae), Labcorp); PubMed 9482572 (cited by Labcorp Genetics (formerly Invitae), Labcorp); PubMed 17568989 (cited by Labcorp Genetics (formerly Invitae), Labcorp); PubMed 18241071 (cited by Labcorp Genetics (formerly Invitae), Labcorp); PubMed 18483559 (cited by Labcorp Genetics (formerly Invitae), Labcorp); PubMed 20054790 (cited by Labcorp Genetics (formerly Invitae), Labcorp); PubMed 21423868 (cited by Labcorp Genetics (formerly Invitae), Labcorp); PubMed 21848007 (cited by Labcorp Genetics (formerly Invitae), Labcorp); PubMed 23734086 (cited by Labcorp Genetics (formerly Invitae), Labcorp); PubMed 25678763 (cited by Labcorp Genetics (formerly Invitae), Labcorp); PubMed 29217025 (cited by Labcorp Genetics (formerly Invitae), Labcorp).